The following is an entry in ClinVar:

ClinVar aggregate classification (germline): Uncertain significance (1 of 4 stars; one submission).

Conditions:
Drash syndrome (DDS). Also called: WILMS TUMOR AND PSEUDO- OR TRUE HERMAPHRODITISM; NEPHROPATHY, WILMS TUMOR, AND GENITAL ANOMALIES. Identifiers: Orphanet 220, MedGen C0950121, MONDO:0008682, OMIM 194080.
Wilms tumor 1 (WT1). Also called: Wilms tumor, somatic. Identifiers: Orphanet 654, MedGen CN033288, MONDO:0008679, OMIM 194070.
11p partial monosomy syndrome (WAGR). Also called: CHROMOSOME 11p13 DELETION SYNDROME; WAGR Spectrum Disorder; WAGR syndrome; WAGR Complex. Identifiers: Orphanet 893, MedGen C0206115, MONDO:0008681, OMIM 194072.
Frasier syndrome. Identifiers: Orphanet 347, MedGen C0950122, MeSH D052159, MONDO:0007635, OMIM 136680.

Submission:

Labcorp Genetics (formerly Invitae), Labcorp
Classification: Uncertain significance for Wilms tumor 1; Drash syndrome; 11p partial monosomy syndrome; Frasier syndrome. Last evaluated: 2022-01-11. Review status: criteria provided, single submitter. Criteria: Invitae Variant Classification Sherloc (09022015). Collection method: clinical testing. Allele origin: germline.
Comment: This sequence change replaces valine, which is neutral and non-polar, with aspartic acid, which is acidic and polar, at codon 83 of the WT1 protein (p.Val83Asp). This variant is not present in population databases (gnomAD no frequency). This variant has not been reported in the literature in individuals affected with WT1-related conditions. Algorithms developed to predict the effect of missense changes on protein structure and function are either unavailable or do not agree on the potential impact of this missense change (SIFT: "Deleterious"; PolyPhen-2: "Possibly Damaging"; Align-GVGD: "Class C0"). In summary, the available evidence is currently insufficient to determine the role of this variant in disease. Therefore, it has been classified as a Variant of Uncertain Significance.

NM_024426.6(WT1):c.263T>A (p.Val88Asp)

Genes: WT1 (WT1 transcription factor; minus strand), LOC107982234 (WT1/WT1-AS bi-directional promoter region; plus strand). Cytogenetic location: 11p13.
Variant type: single nucleotide variant.
Coding change: c.263T>A on transcript NM_024426.6 (MANE Select); coding-DNA position 263, T replaced by A.
Protein change: p.Val88Asp; replaces valine 88 with aspartic acid.
Molecular consequence: missense variant. On other transcripts: non-coding transcript variant (1).
Genome position (GRCh38, 1-based): chr11:32,435,098, A>T on the plus strand (T>A on the coding strand, the complement: WT1 is on the minus strand). VCF-style: chr11-32435098-A-T. GRCh37 (hg19) VCF-style: chr11-32456644-A-T.
Other names: c.263T>A, p.Val88Asp (NM_000378.6, NM_001407044.1, NM_001407045.1 and 6 more transcripts); c.248T>A, p.Val83Asp (NM_024425.2); short protein forms V88D, V83D.
Identifiers: ClinVar variation 2080460 (VCV002080460.4), dbSNP rs2133105570, ClinGen allele CA379966046.